The following is an entry in ClinVar:

NM_000059.4(BRCA2):c.1949A>G (p.Asn650Ser)

Gene: BRCA2 (BRCA2 DNA repair associated; plus strand). Cytogenetic location: 13q13.1.
Variant type: single nucleotide variant.
Coding change: c.1949A>G on transcript NM_000059.4 (MANE Select); coding-DNA position 1949, A replaced by G.
Protein change: p.Asn650Ser; replaces asparagine 650 with serine.
Molecular consequence: missense variant.
Genome position (GRCh38, 1-based): chr13:32,336,304, A>G. VCF-style: chr13-32336304-A-G. GRCh37 (hg19) VCF-style: chr13-32910441-A-G.
Other names: short protein forms N650S.
Identifiers: ClinVar variation 409483 (VCV000409483.25), dbSNP rs773619645, ClinGen allele CA6940566.
Genomic context (GRCh38, chr13:32,336,304, plus strand): 5'-ACTTTGTGTTTTTATGTTTAGGTTTATTGCATTCTTCTGTGAAAAGAAGCTGTTCACAGA[A>G]TGATTCTGAAGAACCAACTTTGTCCTTAACTAGCTCTTTTGGGACAATTCTGAGGAAATG-3'
Protein context (NP_000050.3, residues 640-660): HSSVKRSCSQ[Asn650Ser]DSEEPTLSLT

ClinVar aggregate classification (germline): Conflicting classifications of pathogenicity. Review status: criteria provided, conflicting classifications (1 of 4 stars). 7 submissions from 7 submitters: Uncertain significance (4); Likely benign (3). Last evaluated 2025-12-23.

Conditions:
Hereditary breast ovarian cancer syndrome. Also called: Hereditary breast and ovarian cancer syndrome; Hereditary breast and/or ovarian cancer syndrome; BRCA1- and BRCA2-Associated Hereditary Breast and Ovarian Cancer; Hereditary breast and ovarian cancer syndrome (HBOC); Hereditary breast and ovarian cancer; Breast and ovarian cancer. Identifiers: Orphanet 145, MedGen C0677776, MeSH D061325, MONDO:0003582. Disease mechanism: loss of function.
Breast-ovarian cancer, familial, susceptibility to, 2 (BROVCA2). Also called: BRCA2 Hereditary Breast and Ovarian Cancer. Identifiers: Orphanet 145, MedGen C2675520, MONDO:0012933, OMIM 612555. Disease mechanism: loss of function.
Hereditary cancer-predisposing syndrome. Also called: Hereditary neoplastic syndrome; Neoplastic Syndromes, Hereditary; Tumor predisposition; Hereditary Cancer Syndrome. Identifiers: Orphanet 140162, MedGen C0027672, MeSH D009386, MONDO:0015356.

Allele frequency attached by ClinVar (database versions not stated): gnomAD exomes below 0.00001; ExAC 0.00001; gnomAD 0.00001; TOPMed 0.00001.
gnomAD v4.1: 3 of 1,603,022 alleles (0.00019%); highest among the groups gnomAD compares: African/African-American, 0.004%; no homozygotes.

Submissions (7):

Myriad Genetics, Inc.
Classification: Likely benign for Breast-ovarian cancer, familial, susceptibility to, 2. Last evaluated: 2025-12-23. Review status: criteria provided, single submitter. Criteria: Myriad Autosomal Dominant, Autosomal Recessive and X-Linked Classification Criteria (2023). Collection method: clinical testing. Allele origin: unknown.
Comment: This variant is considered likely benign. This variant is strongly associated with less severe personal and family histories of cancer, typical for individuals without pathogenic variants in this gene [PMID: 25085752].

Color Diagnostics, LLC DBA Color Health
Classification: Uncertain significance for Hereditary cancer-predisposing syndrome. Last evaluated: 2025-08-13. Review status: criteria provided, single submitter. Criteria: ACMG Guidelines, 2015. Collection method: clinical testing. Allele origin: germline.
Comment: This missense variant replaces asparagine with serine at codon 650 of the BRCA2 protein. Computational prediction suggests that this variant may not impact protein structure and function. To our knowledge, functional studies have not been reported for this variant. This variant has been reported in an individual affected with breast cancer (PMID: 35534704). This variant has been identified in 2/272320 chromosomes in the general population by the Genome Aggregation Database (gnomAD). The available evidence is insufficient to determine the role of this variant in disease conclusively. Therefore, this variant is classified as a Variant of Uncertain Significance.

Labcorp Genetics (formerly Invitae), Labcorp
Classification: Uncertain significance for Hereditary breast ovarian cancer syndrome. Last evaluated: 2025-08-07. Review status: criteria provided, single submitter. Criteria: Invitae Variant Classification Sherloc (09022015). Collection method: clinical testing. Allele origin: germline.
Comment: This sequence change replaces asparagine, which is neutral and polar, with serine, which is neutral and polar, at codon 650 of the BRCA2 protein (p.Asn650Ser). This variant is present in population databases (rs773619645, gnomAD 0.008%). This missense change has been observed in individual(s) with breast cancer (PMID: 35534704). ClinVar contains an entry for this variant (Variation ID: 409483). Invitae Evidence Modeling of protein sequence and biophysical properties (such as structural, functional, and spatial information, amino acid conservation, physicochemical variation, residue mobility, and thermodynamic stability) indicates that this missense variant is not expected to disrupt BRCA2 protein function with a negative predictive value of 95%. In summary, the available evidence is currently insufficient to determine the role of this variant in disease. Therefore, it has been classified as a Variant of Uncertain Significance.

Ambry Genetics
Classification: Likely benign for Hereditary cancer-predisposing syndrome. Last evaluated: 2024-10-11. Review status: criteria provided, single submitter. Criteria: Ambry Variant Classification Scheme 2023. Collection method: clinical testing. Allele origin: germline.

Women's Health and Genetics/Laboratory Corporation of America, LabCorp
Classification: Uncertain significance. Last evaluated: 2024-04-09. Review status: criteria provided, single submitter. Criteria: LabCorp Variant Classification Summary - May 2015. Collection method: clinical testing. Allele origin: germline.
Comment: Variant summary: BRCA2 c.1949A>G (p.Asn650Ser) results in a conservative amino acid change in the encoded protein sequence. Five of five in-silico tools predict a benign effect of the variant on protein function. The variant allele was found at a frequency of 4.2e-06 in 240908 control chromosomes. The available data on variant occurrences in the general population are insufficient to allow any conclusion about variant significance. c.1949A>G has been reported in the literature in individuals affected with Hereditary Breast And Ovarian Cancer Syndrome (de Oliveira_2022). These report(s) do not provide unequivocal conclusions about association of the variant with Hereditary Breast And Ovarian Cancer Syndrome. To our knowledge, no experimental evidence demonstrating an impact on protein function has been reported. The following publication have been ascertained in the context of this evaluation (PMID: 35534704). ClinVar contains an entry for this variant (Variation ID: 409483). Based on the evidence outlined above, the variant was classified as uncertain significance.

All of Us Research Program, National Institutes of Health
Classification: Uncertain significance for Breast-ovarian cancer, familial, susceptibility to, 2. Last evaluated: 2023-11-30. Review status: criteria provided, single submitter. Criteria: ACMG Guidelines, 2015. Collection method: clinical testing. Allele origin: germline. Inheritance: Autosomal dominant inheritance. Observed: 1 variant allele, 1 heterozygote.
Comment: This study involves interpretation of variants in research participants for the purpose of population health screening. Participant phenotype was not available at the time of variant classification. Additional details can be found in publication PMID: 35346344, PMCID: PMC8962531

University of Washington Department of Laboratory Medicine, University of Washington
Classification: Likely benign for Hereditary cancer-predisposing syndrome. Last evaluated: 2023-03-23. Review status: criteria provided, single submitter. Criteria: Dines et al. (Genet Med. 2020). Collection method: curation. Allele origin: germline.
Comment: Missense variant in a coldspot region where missense variants are very unlikely to be pathogenic (PMID:31911673).

BRCA2 exon 11 coldspot. Reclassification based on statistical prior probability.

Literature cited by the submitters: PubMed 25085752 (cited by Myriad Genetics, Inc.); PubMed 35534704 (cited by 3 submitters).